The following is an entry in ClinVar:

NM_016216.4(DBR1):c.1445C>T (p.Thr482Met)

Gene: DBR1 (debranching RNA lariats 1; minus strand). Cytogenetic location: 3q22.3.
Variant type: single nucleotide variant.
Coding change: c.1445C>T on transcript NM_016216.4 (MANE Select); coding-DNA position 1445, C replaced by T.
Protein change: p.Thr482Met; replaces threonine 482 with methionine.
Molecular consequence: missense variant.
Genome position (GRCh38, 1-based): chr3:138,162,079, G>A on the plus strand (C>T on the coding strand, the complement: DBR1 is on the minus strand). VCF-style: chr3-138162079-G-A. GRCh37 (hg19) VCF-style: chr3-137880921-G-A.
Other names: short protein forms T482M.
Identifiers: ClinVar variation 2413271 (VCV002413271.2), dbSNP rs118174683, ClinGen allele CA2635662.

ClinVar aggregate classification (germline): Uncertain significance (1 of 4 stars; one submission).

Allele frequency attached by ClinVar (database versions not stated): gnomAD exomes 0.00006; gnomAD 0.00007; TOPMed 0.00007; ExAC 0.00014; 1000 Genomes Project 30x 0.00047; 1000 Genomes Project 0.00060.
gnomAD v4.1: 102 of 1,614,058 alleles (0.0063%); highest among the groups gnomAD compares: East Asian, 0.089%; 1 homozygote.

Submission:

Labcorp Genetics (formerly Invitae), Labcorp
Classification: Uncertain significance. Last evaluated: 2022-04-02. Review status: criteria provided, single submitter. Criteria: Invitae Variant Classification Sherloc (09022015). Collection method: clinical testing. Allele origin: germline.
Comment: This sequence change replaces threonine, which is neutral and polar, with methionine, which is neutral and non-polar, at codon 482 of the DBR1 protein (p.Thr482Met). This variant is present in population databases (rs118174683, gnomAD 0.1%). This variant has not been reported in the literature in individuals affected with DBR1-related conditions. Algorithms developed to predict the effect of missense changes on protein structure and function (SIFT, PolyPhen-2, Align-GVGD) all suggest that this variant is likely to be tolerated. In summary, the available evidence is currently insufficient to determine the role of this variant in disease. Therefore, it has been classified as a Variant of Uncertain Significance.